The following is an entry in ClinVar:

ClinVar aggregate classification (germline): Likely pathogenic (1 of 4 stars; one submission).

Conditions:
Multiple congenital anomalies-hypotonia-seizures syndrome 1 (MCAHS1). Also called: GLYCOSYLPHOSPHATIDYLINOSITOL BIOSYNTHESIS DEFECT 3; PIGN-CDG; Congenital disorder of glycosylation due to PIGN deficiency. Identifiers: Orphanet 280633, MedGen C3279775, MONDO:0013563, OMIM 614080.

Submission:

Labcorp Genetics (formerly Invitae), Labcorp
Classification: Likely pathogenic for Multiple congenital anomalies-hypotonia-seizures syndrome 1. Last evaluated: 2023-09-27. Review status: criteria provided, single submitter. Criteria: Invitae Variant Classification Sherloc (09022015). Collection method: clinical testing. Allele origin: unknown.
Comment: This variant results in the deletion of exons 18-19 and part of exon 20 (c.1575-759_1770delinsTTCTA) of the PIGN gene. It is expected to disrupt RNA splicing. Variants that disrupt the donor or acceptor splice site typically lead to a loss of protein function (PMID: 16199547), and loss-of-function variants in PIGN are known to be pathogenic (PMID: 24253414, 27038415). This variant has not been reported in the literature in individuals affected with PIGN-related conditions. This variant disrupts a region of the PIGN protein in which other variant(s) (p.Arg565Leu) have been observed in individuals with PIGN-related conditions (PMID: 32220244; Invitae). This suggests that this is a clinically significant region of the protein, and that variants that disrupt it are likely to be disease-causing. In summary, the currently available evidence indicates that the variant is pathogenic, but additional data are needed to prove that conclusively. Therefore, this variant has been classified as Likely Pathogenic.

Literature cited by the submitters: PubMed 16199547; PubMed 24253414; PubMed 27038415; PubMed 32220244.

NC_000018.9:g.(?_59772865)_(59775077_?)del

Gene: PIGN (phosphatidylinositol glycan anchor biosynthesis class N; minus strand). Cytogenetic location: 18q21.33.
Variant type: Deletion.
Identifiers: ClinVar variation 3242781 (VCV003242781.1).